The following is an entry in ClinVar:

ClinVar aggregate classification (germline): Uncertain significance. Review status: criteria provided, multiple submitters, no conflicts (2 of 4 stars). 4 submissions from 4 submitters: Uncertain significance (3). 1 of the submissions does not count toward it. Last evaluated 2024-01-05.

Conditions:
Cystic fibrosis (CF). Also called: MUCOVISCIDOSIS. Identifiers: Orphanet 586, MedGen C0010674, MONDO:0009061, OMIM 219700. Disease mechanism: loss of function.
Congenital bilateral aplasia of vas deferens from CFTR mutation (CBAVD). Identifiers: Orphanet 48, MedGen C0403814, MONDO:0010178, OMIM 277180. Disease mechanism: loss of function.
Hereditary pancreatitis (PCTT). Also called: Hereditary chronic pancreatitis; PRSS1-Related Hereditary Pancreatitis. Identifiers: Orphanet 676, MedGen C0238339, MONDO:0008185, OMIM 167800.
Bronchiectasis with or without elevated sweat chloride 1 (BESC1). Also called: Cystic Fibrosis-Like Syndrome. Identifiers: Orphanet 60033, MedGen C2749757, MONDO:0008887, OMIM 211400.

Submissions (4):

Quest Diagnostics Nichols Institute San Juan Capistrano
Classification: Uncertain significance. Last evaluated: 2024-01-05. Review status: criteria provided, single submitter. Criteria: Quest Diagnostics criteria. Collection method: clinical testing. Allele origin: unknown.

Fulgent Genetics
Classification: Uncertain significance for Hereditary pancreatitis; Bronchiectasis with or without elevated sweat chloride 1; Cystic fibrosis; Congenital bilateral aplasia of vas deferens from CFTR mutation. Last evaluated: 2021-07-07. Review status: criteria provided, single submitter. Criteria: ACMG Guidelines, 2015. Collection method: clinical testing. Allele origin: unknown.

Women's Health and Genetics/Laboratory Corporation of America, LabCorp
Classification: Uncertain significance for heritable chronic pancreatitis. Last evaluated: 2011-08-18. Review status: criteria provided, single submitter. Criteria: LabCorp Variant Classification Summary - May 2015. Collection method: curation. Allele origin: germline. Inheritance: autosomal unknown. Affected: yes.
ClinVar note: Converted during submission from uncertain to Uncertain significance.

Natera, Inc.
Classification: Uncertain significance for Cystic Fibrosis. Last evaluated: 2020-09-16. Review status: no assertion criteria provided. Collection method: clinical testing. Allele origin: germline. Not counted in ClinVar's aggregate classification.

NM_000492.4(CFTR):c.3718-2473_3718-2472insCAGAGT

Genes: CFTR (CF transmembrane conductance regulator; plus strand), CFTR-AS2 (CFTR antisense RNA 2; minus strand), LOC113633877 (CFTR intron 19 DNase I hypersensitive site; plus strand). Cytogenetic location: 7q31.2.
Variant type: Insertion.
Coding change: c.3718-2473_3718-2472insCAGAGT on transcript NM_000492.4 (MANE Select); 2473 bases into the intron before coding-DNA position 3718 through 2472 bases into the intron before coding-DNA position 3718, CAGAGT inserted.
Molecular consequence: intron variant.
Genome position: GRCh38 VCF-style: chr7-117639961-C-CGAGTCA. GRCh37 (hg19) VCF-style: chr7-117280015-C-CGAGTCA.
Identifiers: ClinVar variation 35876 (VCV000035876.7), dbSNP rs397515289, ClinGen allele CA260243.